The following is an entry in ClinVar:

NM_001040142.2(SCN2A):c.235G>C (p.Glu79Gln)

Gene: SCN2A (sodium voltage-gated channel alpha subunit 2; plus strand). Cytogenetic location: 2q24.3.
Variant type: single nucleotide variant.
Coding change: c.235G>C on transcript NM_001040142.2 (MANE Select); coding-DNA position 235, G replaced by C.
Protein change: p.Glu79Gln; replaces glutamic acid 79 with glutamine.
Molecular consequence: missense variant.
Genome position (GRCh38, 1-based): chr2:165,296,058, G>C. VCF-style: chr2-165296058-G-C. GRCh37 (hg19) VCF-style: chr2-166152568-G-C.
Other names: c.235G>C, p.Glu79Gln (NM_001040143.2, NM_001371246.1, NM_001371247.1 and 1 more transcripts); short protein forms E79Q.
Identifiers: ClinVar variation 1035541 (VCV001035541.12), dbSNP rs1402926276, ClinGen allele CA349010723.

ClinVar aggregate classification (germline): Uncertain significance. Review status: criteria provided, multiple submitters, no conflicts (2 of 4 stars). 4 submissions from 4 submitters: Uncertain significance (4). Last evaluated 2025-09-10.

Conditions:
Episodic ataxia, type 9. Identifiers: MedGen C5394520, MONDO:0030064, OMIM 618924.
Developmental and epileptic encephalopathy, 11 (DEE11). Also called: Early infantile epileptic encephalopathy 11. Identifiers: Orphanet 1934, MedGen C3150987, MONDO:0013388, OMIM 613721.
Seizures, benign familial infantile, 3 (BFIS3). Also called: CONVULSIONS, BENIGN FAMILIAL INFANTILE, 3; Familial neonatal seizures. Identifiers: Orphanet 140927, Orphanet 306, MedGen C1843140, MONDO:0011904, OMIM 607745.

Allele frequency attached by ClinVar (database versions not stated): gnomAD exomes below 0.00001 and 0.00001; TOPMed below 0.00001.
gnomAD v4.1: 6 of 1,613,822 alleles (0.00037%); highest among the groups gnomAD compares: South Asian, 0.0033%; no homozygotes.

Submissions (4):

Genomic Medicine Center of Excellence, King Faisal Specialist Hospital and Research Centre
Classification: Uncertain significance for Episodic ataxia, type 9. Last evaluated: 2025-09-10. Review status: criteria provided, single submitter. Criteria: ACMG Guidelines, 2015. Collection method: clinical testing. Allele origin: germline.

Institute for Clinical Genetics, University Hospital TU Dresden, University Hospital TU Dresden
Classification: Uncertain significance. Last evaluated: 2023-05-10. Review status: criteria provided, single submitter. Criteria: ACMG Guidelines, 2015. Collection method: clinical testing. Allele origin: germline.
Comment: PP3, PM2_SUP, PP2

Labcorp Genetics (formerly Invitae), Labcorp
Classification: Uncertain significance for Seizures, benign familial infantile, 3; Developmental and epileptic encephalopathy, 11. Last evaluated: 2020-07-15. Review status: criteria provided, single submitter. Criteria: Invitae Variant Classification Sherloc (09022015). Collection method: clinical testing. Allele origin: germline.
Comment: In summary, the available evidence is currently insufficient to determine the role of this variant in disease. Therefore, it has been classified as a Variant of Uncertain Significance. Algorithms developed to predict the effect of missense changes on protein structure and function are either unavailable or do not agree on the potential impact of this missense change (SIFT: "Deleterious"; PolyPhen-2: "Probably Damaging"; Align-GVGD: "Class C0"). This variant has not been reported in the literature in individuals with SCN2A-related conditions. This variant is not present in population databases (ExAC no frequency). This sequence change replaces glutamic acid with glutamine at codon 79 of the SCN2A protein (p.Glu79Gln). The glutamic acid residue is highly conserved and there is a small physicochemical difference between glutamic acid and glutamine.

Neuberg Centre For Genomic Medicine, NCGM
Classification: Uncertain significance for Developmental and epileptic encephalopathy, 11. Review status: criteria provided, single submitter. Criteria: ACMG Guidelines, 2015. Collection method: clinical testing. Allele origin: germline. Inheritance: Autosomal dominant inheritance. Affected: yes.
Comment: The observed missense variant c.235G>C(p.Glu79Gln) in SCN2A gene has not been reported previously as a pathogenic variant nor as a benign variant, to our knowledge. This variant has 0.0004% allele frequency in gnomAD Exomes. It has been submitted to ClinVar as Uncertain Significance. However, no details are available for independent assessment. The amino acid Glu at position 79 is changed to a Gln changing protein sequence and it might alter its composition and physico-chemical properties. Multiple lines of computational evidence (Polyphen-probably damaging, SIFT-damaging and MutationTaster-disease causing) predict a damaging effect on protein structure and function for this variant. The reference amino acid p.Glu79Gln in SCN2A is predicted as conserved by GERP++ and PhyloP across 100 vertebrates. For these reasons, this variant has been classified as Uncertain Significance.